The following is an entry in ClinVar:

NM_001563.4(IMPG1):c.712C>T (p.Leu238Phe)

Gene: IMPG1 (interphotoreceptor matrix proteoglycan 1; minus strand). Cytogenetic location: 6q14.1.
Variant type: single nucleotide variant.
Coding change: c.712C>T on transcript NM_001563.4 (MANE Select); coding-DNA position 712, C replaced by T.
Protein change: p.Leu238Phe; replaces leucine 238 with phenylalanine.
Molecular consequence: missense variant.
Genome position (GRCh38, 1-based): chr6:76,018,813, G>A on the plus strand (C>T on the coding strand, the complement: IMPG1 is on the minus strand). VCF-style: chr6-76018813-G-A. GRCh37 (hg19) VCF-style: chr6-76728530-G-A.
Other names: c.478C>T, p.Leu160Phe (NM_001282368.2); short protein forms L238F, L160F.
Identifiers: ClinVar variation 3706515 (VCV003706515.2).

ClinVar aggregate classification (germline): Uncertain significance (1 of 4 stars; one submission).

gnomAD v4.1: 13 of 1,611,824 alleles (0.00081%); highest among the groups gnomAD compares: Middle Eastern, 0.033%; no homozygotes.

Submission:

Labcorp Genetics (formerly Invitae), Labcorp
Classification: Uncertain significance. Last evaluated: 2024-11-13. Review status: criteria provided, single submitter. Criteria: Invitae Variant Classification Sherloc (09022015). Collection method: clinical testing. Allele origin: germline.
Comment: This sequence change replaces leucine, which is neutral and non-polar, with phenylalanine, which is neutral and non-polar, at codon 238 of the IMPG1 protein (p.Leu238Phe). This variant is present in population databases (no rsID available, gnomAD 0.007%). This variant has not been reported in the literature in individuals affected with IMPG1-related conditions. An algorithm developed to predict the effect of missense changes on protein structure and function outputs the following: PolyPhen-2: "Benign". The phenylalanine amino acid residue is found in multiple mammalian species, which suggests that this missense change does not adversely affect protein function. This variant disrupts the p.Leu238 amino acid residue in IMPG1. Other variant(s) that disrupt this residue have been determined to be pathogenic (PMID: 23993198). This suggests that this residue is clinically significant, and that variants that disrupt this residue are likely to be disease-causing. In summary, the available evidence is currently insufficient to determine the role of this variant in disease. Therefore, it has been classified as a Variant of Uncertain Significance.

Literature cited by the submitters: PubMed 23993198.